The following is an entry in ClinVar:

ClinVar aggregate classification (germline): Uncertain significance (1 of 4 stars; one submission).

Conditions:
Combined immunodeficiency due to DOCK8 deficiency (HIES2). Also called: HIES autosomal recessive; HYPER-IgE SYNDROME 2, AUTOSOMAL RECESSIVE, WITH RECURRENT INFECTIONS; HYPER-IgE RECURRENT INFECTION SYNDROME 2, AUTOSOMAL RECESSIVE; DOCK8 Deficiency; Hyper-IgE recurrent infection syndrome, autosomal recessive. Identifiers: Orphanet 217390, MedGen C4722305, MONDO:0009478, OMIM 243700.

Submission:

Labcorp Genetics (formerly Invitae), Labcorp
Classification: Uncertain significance for Combined immunodeficiency due to DOCK8 deficiency. Last evaluated: 2022-08-23. Review status: criteria provided, single submitter. Criteria: Invitae Variant Classification Sherloc (09022015). Collection method: clinical testing. Allele origin: germline.
Comment: In summary, the available evidence is currently insufficient to determine the role of this variant in disease. Therefore, it has been classified as a Variant of Uncertain Significance. Algorithms developed to predict the effect of missense changes on protein structure and function (SIFT, PolyPhen-2, Align-GVGD) all suggest that this variant is likely to be tolerated. ClinVar contains an entry for this variant (Variation ID: 835620). This variant has not been reported in the literature in individuals affected with DOCK8-related conditions. This variant is not present in population databases (gnomAD no frequency). This sequence change replaces glycine, which is neutral and non-polar, with alanine, which is neutral and non-polar, at codon 1251 of the DOCK8 protein (p.Gly1251Ala).

NM_203447.4(DOCK8):c.3752G>C (p.Gly1251Ala)

Gene: DOCK8 (dedicator of cytokinesis 8; plus strand). Cytogenetic location: 9p24.3.
Variant type: single nucleotide variant.
Coding change: c.3752G>C on transcript NM_203447.4 (MANE Select); coding-DNA position 3752, G replaced by C.
Protein change: p.Gly1251Ala; replaces glycine 1251 with alanine.
Molecular consequence: missense variant.
Genome position (GRCh38, 1-based): chr9:418,119, G>C. VCF-style: chr9-418119-G-C. GRCh37 (hg19) VCF-style: chr9-418119-G-C.
Other names: c.3452G>C, p.Gly1151Ala (NM_001190458.2); c.3548G>C, p.Gly1183Ala (NM_001193536.2); short protein forms G1183A, G1251A, G1151A.
Identifiers: ClinVar variation 835620 (VCV000835620.10), dbSNP rs2056109625, ClinGen allele CA372762182.